The following is an entry in ClinVar:

ClinVar aggregate classification (germline): Likely benign. Review status: criteria provided, multiple submitters, no conflicts (2 of 4 stars). 3 submissions from 3 submitters: Likely benign (3). Last evaluated 2025-07-21.

Conditions:
Fanconi anemia (FA). Also called: Fanconi's anemia. Identifiers: Orphanet 84, MedGen C0015625, MeSH D005199, MONDO:0019391.
Inborn genetic diseases. Identifiers: MedGen C0950123, MeSH D030342.

Allele frequency attached by ClinVar (database versions not stated): TOPMed below 0.00001; gnomAD exomes 0.00001.
gnomAD v4.1: 11 of 1,614,092 alleles (0.00068%); highest among the groups gnomAD compares: Non-Finnish European, 0.00085%; no homozygotes.

Submissions (3):

Labcorp Genetics (formerly Invitae), Labcorp
Classification: Likely benign for Fanconi anemia. Last evaluated: 2025-07-21. Review status: criteria provided, single submitter. Criteria: Invitae Variant Classification Sherloc (09022015). Collection method: clinical testing. Allele origin: germline.

Ambry Genetics
Classification: Likely benign for Inborn genetic diseases. Last evaluated: 2024-12-01. Review status: criteria provided, single submitter. Criteria: Ambry Variant Classification Scheme 2023. Collection method: clinical testing. Allele origin: germline.

CeGaT Center for Human Genetics Tuebingen
Classification: Likely benign. Last evaluated: 2021-12-01. Review status: criteria provided, single submitter. Criteria: CeGaT Center For Human Genetics Tuebingen Variant Classification Criteria Version 2. Collection method: clinical testing. Allele origin: germline. Affected: yes. Observed: 1 variant allele.
Comment: FANCM: PM2:Supporting, BP4, BP7

NM_020937.4(FANCM):c.5628T>C (p.Asn1876=)

Gene: FANCM (FA complementation group M; plus strand). Cytogenetic location: 14q21.2.
Variant type: single nucleotide variant.
Coding change: c.5628T>C on transcript NM_020937.4 (MANE Select); coding-DNA position 5628, T replaced by C.
Protein change: p.Asn1876=; no amino-acid change (asparagine 1876 retained).
Molecular consequence: synonymous variant.
Genome position (GRCh38, 1-based): chr14:45,196,459, T>C. VCF-style: chr14-45196459-T-C. GRCh37 (hg19) VCF-style: chr14-45665662-T-C.
Other names: c.5550T>C, p.Asn1850= (NM_001308133.2); c.5628T>C (NM_020937.2).
Identifiers: ClinVar variation 1538052 (VCV001538052.32), dbSNP rs1039452790, ClinGen allele CA259601697.